The following is an entry in ClinVar:

ClinVar aggregate classification (germline): Uncertain significance. Review status: criteria provided, multiple submitters, no conflicts (2 of 4 stars). 2 submissions from 2 submitters: Uncertain significance (2). Last evaluated 2026-08-01.

Conditions:
TTN-related disorder. Also called: TTN-related condition; TTN-related disease; TTN-related disorders.

gnomAD v4.1: 3 of 1,613,770 alleles (0.00019%); highest among the groups gnomAD compares: Admixed American, 0.0017%; no homozygotes.

Submissions (2):

CeGaT Center for Human Genetics Tuebingen
Classification: Uncertain significance. Last evaluated: 2026-08-01. Review status: criteria provided, single submitter. Criteria: CeGaT Center For Human Genetics Tuebingen Variant Classification Criteria Version 2. Collection method: clinical testing. Allele origin: germline. Affected: yes. Observed: 1 variant allele.
Comment: TTN: PM2, BP1, BP4

PreventionGenetics, part of Exact Sciences
Classification: Uncertain significance for TTN-related condition. Last evaluated: 2026-01-16. Review status: criteria provided, single submitter. Criteria: ACMG Guidelines, 2015. Collection method: clinical testing. Allele origin: germline.
Comment: The TTN c.87008C>T variant is predicted to result in the amino acid substitution p.Ser29003Phe. This variant has been reported as a variant of uncertain significance in an individual with left ventricular noncompaction cardiomyopathy (Mehaney et al. 2021. PubMed ID: 34036930). This variant is reported in 0.0029% of alleles in individuals of Latino descent in gnomAD. At this time, the clinical significance of this variant is uncertain due to the absence of conclusive functional and genetic evidence.

NM_001267550.2(TTN):c.87008C>T (p.Ser29003Phe)

Genes: TTN (titin; minus strand), TTN-AS1 (TTN antisense RNA 1; plus strand). Cytogenetic location: 2q31.2.
Variant type: single nucleotide variant.
Coding change: c.87008C>T on transcript NM_001267550.2 (MANE Select); coding-DNA position 87008, C replaced by T.
Protein change: p.Ser29003Phe; replaces serine 29003 with phenylalanine.
Molecular consequence: missense variant.
Genome position (GRCh38, 1-based): chr2:178,558,451, G>A on the plus strand (C>T on the coding strand, the complement: TTN is on the minus strand). VCF-style: chr2-178558451-G-A. GRCh37 (hg19) VCF-style: chr2-179423178-G-A.
Other names: c.79304C>T, p.Ser26435Phe (NM_133378.4); c.60188C>T, p.Ser20063Phe (NM_133432.3); c.60389C>T, p.Ser20130Phe (NM_133437.4); c.82085C>T, p.Ser27362Phe (NM_001256850.1); c.59813C>T, p.Ser19938Phe (NM_003319.4); short protein forms S26435F, S20063F, S20130F, S27362F, S29003F, S19938F.
Identifiers: ClinVar variation 4989330 (VCV004989330.2).